The following is an entry in ClinVar:

ClinVar aggregate classification (germline): Benign. Review status: criteria provided, multiple submitters, no conflicts (2 of 4 stars). 12 submissions from 7 submitters: Benign (12). Last evaluated 2026-02-02.

Conditions:
Charcot-Marie-Tooth disease. Also called: Charcot-Marie-Tooth Hereditary Neuropathy; Charcot-Marie-Tooth Neuropathy. Identifiers: Orphanet 166, MedGen C0007959, MONDO:0015626.
Metatropic dysplasia (MTD). Also called: Metatropic Dysplasia, TRPV4-Related; Metatropic dysplasia, nonlethal dominant; METATROPIC DWARFISM. Identifiers: Orphanet 2635, MedGen C0265281, MONDO:0007986, OMIM 156530.
Charcot-Marie-Tooth disease axonal type 2C (HMSN2C). Also called: Charcot-Marie-Tooth Disease Type 2, TRPV4-Related (CMT2C); CHARCOT-MARIE-TOOTH DISEASE, AXONAL, AUTOSOMAL DOMINANT, TYPE 2C; Charcot-Marie-Tooth Neuropathy Type 2C. Identifiers: Orphanet 99937, MedGen C1853710, MONDO:0011633, OMIM 606071.
Neuronopathy, distal hereditary motor, autosomal dominant 8. Also called: SPINAL MUSCULAR ATROPHY, CONGENITAL BENIGN, WITH CONTRACTURES; NEURONOPATHY, DISTAL HEREDITARY MOTOR, TYPE VIII; NEUROPATHY, DISTAL HEREDITARY MOTOR, TYPE VIII; Autosomal dominant congenital benign spinal muscular atrophy. Identifiers: Orphanet 1216, MedGen C1838492, MONDO:0010839, OMIM 600175.
Brachyrachia (short spine dysplasia) (BCYM3). Also called: Brachyolmia, TRPV4-Related; Brachyolmia Type 3; BRACHYRACHIA; Autosomal dominant brachyolmia. Identifiers: Orphanet 93304, MedGen C0432227, MONDO:0007232, OMIM 113500.
Scapuloperoneal spinal muscular atrophy (SPSMA). Also called: Scapuloperoneal Spinal Muscular Atrophy, TRPV4-Related; AMYOTROPHY, NEUROGENIC SCAPULOPERONEAL, NEW ENGLAND TYPE; Scapuloperoneal Form of Spinal Muscular Atrophy; Scapuloperoneal spinal muscular atrophy, autosomal dominant. Identifiers: Orphanet 431255, MedGen C0751335, MONDO:0008408, OMIM 181405.
Spondylometaphyseal dysplasia, Kozlowski type (SMDK). Also called: Spondylometaphyseal Dysplasia, TRPV4-Related (Kozlowski Type); Dysmorphism arthrogryposis skeletal maturation advanced; Jequier-Kozlowski syndrome; Skeletal dysplasia Jequier-Kozlowski type; SMD Kozlowski type. Identifiers: Orphanet 93314, MedGen C0265280, MONDO:0008477, OMIM 184252.

Allele frequency attached by ClinVar (database versions not stated): gnomAD exomes 0.00130 and 0.00378; ExAC 0.00502; 1000 Genomes Project 0.01498; 1000 Genomes Project 30x 0.01562; TOPMed 0.01629; gnomAD 0.01630 and 0.01520; ESP Exome Variant Server 0.01776.
gnomAD v4.1: 4,307 of 1,610,698 alleles (0.27%); highest among the groups gnomAD compares: African/African-American, 5%; 103 homozygotes.

Submissions (12):

Labcorp Genetics (formerly Invitae), Labcorp
Classification: Benign for Charcot-Marie-Tooth disease axonal type 2C. Last evaluated: 2026-02-02. Review status: criteria provided, single submitter. Criteria: Invitae Variant Classification Sherloc (09022015). Collection method: clinical testing. Allele origin: germline.

ARUP Laboratories, Molecular Genetics and Genomics, ARUP Laboratories
Classification: Benign. Last evaluated: 2025-02-11. Review status: criteria provided, single submitter. Criteria: ARUP Molecular Germline Variant Investigation Process 2024. Collection method: clinical testing. Allele origin: germline.

Illumina Laboratory Services, Illumina
Classification: Benign for Spondylometaphyseal dysplasia, Kozlowski type. Last evaluated: 2018-01-13. Review status: criteria provided, single submitter. Criteria: ICSL Variant Classification Criteria 13 December 2019. Collection method: clinical testing. Allele origin: germline.
Comment: This variant was observed in the ICSL laboratory as part of a predisposition screen in an ostensibly healthy population. It had not been previously curated by ICSL or reported in the Human Gene Mutation Database (HGMD: prior to June 1st, 2018), and was therefore a candidate for classification through an automated scoring system. Utilizing variant allele frequency, disease prevalence and penetrance estimates, and inheritance mode, an automated score was calculated to assess if this variant is too frequent to cause the disease. Based on the score and internal cut-off values, a variant classified as benign is not then subjected to further curation. The score for this variant resulted in a classification of benign for this disease.

Illumina Laboratory Services, Illumina
Classification: Benign for Charcot-Marie-Tooth disease axonal type 2C. Last evaluated: 2018-01-13. Review status: criteria provided, single submitter. Criteria: ICSL Variant Classification Criteria 13 December 2019. Collection method: clinical testing. Allele origin: germline.
Comment: the same text as in the submission from Illumina Laboratory Services, Illumina above.

Illumina Laboratory Services, Illumina
Classification: Benign for Metatropic dysplasia. Last evaluated: 2018-01-13. Review status: criteria provided, single submitter. Criteria: ICSL Variant Classification Criteria 13 December 2019. Collection method: clinical testing. Allele origin: germline.
Comment: the same text as in the submission from Illumina Laboratory Services, Illumina above.

Illumina Laboratory Services, Illumina
Classification: Benign for Neuronopathy, distal hereditary motor, autosomal dominant 8. Last evaluated: 2018-01-13. Review status: criteria provided, single submitter. Criteria: ICSL Variant Classification Criteria 13 December 2019. Collection method: clinical testing. Allele origin: germline.
Comment: the same text as in the submission from Illumina Laboratory Services, Illumina above.

Illumina Laboratory Services, Illumina
Classification: Benign for Brachyrachia (short spine dysplasia). Last evaluated: 2018-01-13. Review status: criteria provided, single submitter. Criteria: ICSL Variant Classification Criteria 13 December 2019. Collection method: clinical testing. Allele origin: germline.
Comment: the same text as in the submission from Illumina Laboratory Services, Illumina above.

Illumina Laboratory Services, Illumina
Classification: Benign for Scapuloperoneal spinal muscular atrophy. Last evaluated: 2018-01-13. Review status: criteria provided, single submitter. Criteria: ICSL Variant Classification Criteria 13 December 2019. Collection method: clinical testing. Allele origin: germline.
Comment: the same text as in the submission from Illumina Laboratory Services, Illumina above.

Athena Diagnostics
Classification: Benign. Last evaluated: 2017-07-27. Review status: criteria provided, single submitter. Criteria: Athena Diagnostics Criteria. Collection method: clinical testing. Allele origin: germline.

GeneDx
Classification: Benign. Last evaluated: 2015-04-26. Review status: criteria provided, single submitter. Criteria: GeneDx Variant Classification (06012015). Collection method: clinical testing. Allele origin: germline. Affected: yes.
Comment: This variant is considered likely benign or benign based on one or more of the following criteria: it is a conservative change, it occurs at a poorly conserved position in the protein, it is predicted to be benign by multiple in silico algorithms, and/or has population frequency not consistent with disease.

Molecular Genetics Laboratory, London Health Sciences Centre
Classification: Benign for Charcot-Marie-Tooth disease. Review status: criteria provided, single submitter. Criteria: ACMG Guidelines, 2015. Collection method: clinical testing. Allele origin: germline. Affected: yes.

PreventionGenetics, part of Exact Sciences
Classification: Benign. Review status: criteria provided, single submitter. Criteria: ACMG Guidelines, 2015. Collection method: clinical testing. Allele origin: germline.

NM_021625.5(TRPV4):c.387-4C>T

Gene: TRPV4 (transient receptor potential cation channel subfamily V member 4; minus strand). Cytogenetic location: 12q24.11.
Variant type: single nucleotide variant.
Coding change: c.387-4C>T on transcript NM_021625.5 (MANE Select); 4 bases into the intron before coding-DNA position 387, C replaced by T.
Molecular consequence: intron variant.
Genome position (GRCh38, 1-based): chr12:109,808,472, G>A on the plus strand (C>T on the coding strand, the complement: TRPV4 is on the minus strand). VCF-style: chr12-109808472-G-A. GRCh37 (hg19) VCF-style: chr12-110246277-G-A.
Other names: c.387-4C>T (NM_001177433.1, NM_001177428.1, NM_147204.2); c.285-4C>T (NM_001177431.1).
Identifiers: ClinVar variation 241387 (VCV000241387.29), dbSNP rs12305439, ClinGen allele CA6780554.
Genomic context (GRCh38, chr12:109,808,472, plus strand): 5'-ACTTTGAGGATGGGGGGCGGCTGAGGGGCAGGGGCTTTGGGGCTCTGCGGCTGCTTCCTG[G>A]AGGAGGTAGGGAGGCAAGTTGATGGGAGGGCTCATCCCCTGCCTGCCCCACTGTCCCTGG-3'